The following is an entry in ClinVar:

ClinVar aggregate classification (germline): Benign/Likely benign. Review status: criteria provided, multiple submitters, no conflicts (2 of 4 stars). 24 submissions from 17 submitters: Benign (16); Likely benign (4). 4 of the submissions do not count toward it. Last evaluated 2026-02-04.

Conditions:
Cardiovascular phenotype. Identifiers: MedGen CN230736.
Dilated cardiomyopathy 1G (CMD1G). Identifiers: Orphanet 154, MedGen C1858763, MONDO:0011400, OMIM 604145.
Autosomal recessive limb-girdle muscular dystrophy type 2J (LGMDR10). Also called: Limb-girdle muscular dystrophy, type 2J; MUSCULAR DYSTROPHY, LIMB-GIRDLE, AUTOSOMAL RECESSIVE 10. Identifiers: Orphanet 140922, MedGen C1837342, MONDO:0012127, OMIM 608807.
Early-onset myopathy with fatal cardiomyopathy (CMYO5). Also called: CONGENITAL MYOPATHY 5 WITH CARDIOMYOPATHY; Salih Myopathy. Identifiers: Orphanet 289377, MedGen C2673677, MONDO:0012714, OMIM 611705. Disease mechanism: loss of function.
Myopathy, myofibrillar, 9, with early respiratory failure (MFM9). Also called: MYOPATHY, PROXIMAL, WITH EARLY RESPIRATORY MUSCLE INVOLVEMENT; Myopathy, distal, with early respiratory failure, autosomal dominant; Hereditary myopathy with early respiratory failure; EDSTROM MYOPATHY. Identifiers: Orphanet 178464, Orphanet 34521, MedGen C1863599, MONDO:0011362, OMIM 603689.
Tibial muscular dystrophy (TMD). Also called: Tibial muscular dystrophy, tardive; UDD MYOPATHY; Udd Distal Myopathy – Tibial Muscular Dystrophy. Identifiers: Orphanet 609, MedGen C1838244, MONDO:0010870, OMIM 600334.

Allele frequency attached by ClinVar (database versions not stated): ESP Exome Variant Server 0.01580; TOPMed 0.01900; gnomAD 0.02132 and 0.02155; 1000 Genomes Project 30x 0.02155; 1000 Genomes Project 0.02316; gnomAD exomes 0.02797; ExAC 0.02882.
gnomAD v4.1: 38,082 of 1,613,222 alleles (2.4%); highest among the groups gnomAD compares: East Asian, 6.4%; 584 homozygotes.

Submissions (24):

Labcorp Genetics (formerly Invitae), Labcorp
Classification: Benign for Dilated cardiomyopathy 1G; Autosomal recessive limb-girdle muscular dystrophy type 2J. Last evaluated: 2026-02-04. Review status: criteria provided, single submitter. Criteria: Invitae Variant Classification Sherloc (09022015). Collection method: clinical testing. Allele origin: germline.

Molecular Diagnostic Laboratory for Inherited Cardiovascular Disease, Montreal Heart Institute
Classification: Likely benign. Last evaluated: 2025-04-09. Review status: criteria provided, single submitter. Criteria: ACMG Guidelines, 2015. Collection method: clinical testing. Allele origin: germline. Affected: no.

Genome-Nilou Lab
Classification: Benign for Autosomal recessive limb-girdle muscular dystrophy type 2J. Last evaluated: 2021-09-10. Review status: criteria provided, single submitter. Criteria: ACMG Guidelines, 2015. Collection method: clinical testing. Allele origin: germline. Affected: no.

Genome-Nilou Lab
Classification: Benign for Myopathy, myofibrillar, 9, with early respiratory failure. Last evaluated: 2021-09-10. Review status: criteria provided, single submitter. Criteria: ACMG Guidelines, 2015. Collection method: clinical testing. Allele origin: germline. Affected: no.

Genome-Nilou Lab
Classification: Benign for Early-onset myopathy with fatal cardiomyopathy. Last evaluated: 2021-09-10. Review status: criteria provided, single submitter. Criteria: ACMG Guidelines, 2015. Collection method: clinical testing. Allele origin: germline. Affected: no.

Genome-Nilou Lab
Classification: Benign for Tibial muscular dystrophy. Last evaluated: 2021-09-10. Review status: criteria provided, single submitter. Criteria: ACMG Guidelines, 2015. Collection method: clinical testing. Allele origin: germline. Affected: no.

Women's Health and Genetics/Laboratory Corporation of America, LabCorp
Classification: Likely benign. Last evaluated: 2020-01-11. Review status: criteria provided, single submitter. Criteria: LabCorp Variant Classification Summary - May 2015. Collection method: clinical testing. Allele origin: germline.

Athena Diagnostics
Classification: Benign. Last evaluated: 2019-01-16. Review status: criteria provided, single submitter. Criteria: Athena Diagnostics Criteria. Collection method: clinical testing. Allele origin: germline.

Illumina Laboratory Services, Illumina
Classification: Benign for Myopathy, myofibrillar, 9, with early respiratory failure. Last evaluated: 2018-01-12. Review status: criteria provided, single submitter. Criteria: ICSL Variant Classification Criteria 13 December 2019. Collection method: clinical testing. Allele origin: germline.
Comment: This variant was observed in the ICSL laboratory as part of a predisposition screen in an ostensibly healthy population. It had not been previously curated by ICSL or reported in the Human Gene Mutation Database (HGMD: prior to June 1st, 2018), and was therefore a candidate for classification through an automated scoring system. Utilizing variant allele frequency, disease prevalence and penetrance estimates, and inheritance mode, an automated score was calculated to assess if this variant is too frequent to cause the disease. Based on the score and internal cut-off values, a variant classified as benign is not then subjected to further curation. The score for this variant resulted in a classification of benign for this disease.

Illumina Laboratory Services, Illumina
Classification: Likely benign for Dilated cardiomyopathy 1G. Last evaluated: 2018-01-12. Review status: criteria provided, single submitter. Criteria: ICSL Variant Classification Criteria 13 December 2019. Collection method: clinical testing. Allele origin: germline.
Comment: This variant was observed in the ICSL laboratory as part of a predisposition screen in an ostensibly healthy population. It had not been previously curated by ICSL or reported in the Human Gene Mutation Database (HGMD: prior to June 1st, 2018), and was therefore a candidate for classification through an automated scoring system. Utilizing variant allele frequency, disease prevalence and penetrance estimates, and inheritance mode, an automated score was calculated to assess if this variant is too frequent to cause the disease. Based on the score and internal cut-off values, a variant classified as likely benign is not then subjected to further curation. The score for this variant resulted in a classification of likely benign for this disease.

Illumina Laboratory Services, Illumina
Classification: Benign for Early-onset myopathy with fatal cardiomyopathy. Last evaluated: 2018-01-12. Review status: criteria provided, single submitter. Criteria: ICSL Variant Classification Criteria 13 December 2019. Collection method: clinical testing. Allele origin: germline.
Comment: the same text as in the submission from Illumina Laboratory Services, Illumina above.

Illumina Laboratory Services, Illumina
Classification: Benign for Tibial muscular dystrophy. Last evaluated: 2018-01-12. Review status: criteria provided, single submitter. Criteria: ICSL Variant Classification Criteria 13 December 2019. Collection method: clinical testing. Allele origin: germline.
Comment: the same text as in the submission from Illumina Laboratory Services, Illumina above.

Illumina Laboratory Services, Illumina
Classification: Benign for Autosomal recessive limb-girdle muscular dystrophy type 2J. Last evaluated: 2018-01-12. Review status: criteria provided, single submitter. Criteria: ICSL Variant Classification Criteria 13 December 2019. Collection method: clinical testing. Allele origin: germline.
Comment: the same text as in the submission from Illumina Laboratory Services, Illumina above.

Mayo Clinic Laboratories, Mayo Clinic
Classification: Benign. Last evaluated: 2017-10-03. Review status: criteria provided, single submitter. Criteria: ACMG Guidelines, 2015. Collection method: clinical testing. Allele origin: germline. Observed: 95 variant alleles.

Genetic Services Laboratory, University of Chicago
Classification: Benign for AllHighlyPenetrant. Last evaluated: 2013-08-15. Review status: criteria provided, single submitter. Criteria: ACMG Guidelines, 2007. Collection method: clinical testing. Allele origin: germline.

GeneDx
Classification: Benign. Last evaluated: 2013-04-29. Review status: criteria provided, single submitter. Criteria: GeneDx Variant Classification (06012015). Collection method: clinical testing. Allele origin: germline. Affected: yes.
Comment: This variant is considered likely benign or benign based on one or more of the following criteria: it is a conservative change, it occurs at a poorly conserved position in the protein, it is predicted to be benign by multiple in silico algorithms, and/or has population frequency not consistent with disease.

Ambry Genetics
Classification: Benign for Cardiovascular phenotype. Last evaluated: 2013-03-06. Review status: criteria provided, single submitter. Criteria: Ambry Autosomal Dominant and X-Linked criteria (10/2015). Collection method: clinical testing. Allele origin: germline. Observed: 1 variant allele.

Laboratory for Molecular Medicine, Mass General Brigham Personalized Medicine
Classification: Benign. Last evaluated: 2012-04-24. Review status: criteria provided, single submitter. Criteria: LMM Criteria. Collection method: clinical testing. Allele origin: germline. Observed: 63 variant alleles.

Breakthrough Genomics
Classification: Likely benign. Review status: criteria provided, single submitter. Criteria: ACMG Guidelines, 2015. Collection method: not provided. Allele origin: germline. Inheritance: Autosomal recessive inheritance. Affected: yes.

PreventionGenetics, part of Exact Sciences
Classification: Benign. Review status: criteria provided, single submitter. Criteria: ACMG Guidelines, 2015. Collection method: clinical testing. Allele origin: germline.

Clinical Genetics, Academic Medical Center
Classification: Benign. Review status: no assertion criteria provided. Collection method: clinical testing. Allele origin: germline. Affected: yes. Study: VKGL Data-share Consensus. Not counted in ClinVar's aggregate classification.

Genome Diagnostics Laboratory, University Medical Center Utrecht
Classification: Benign. Review status: no assertion criteria provided. Collection method: clinical testing. Allele origin: germline. Affected: yes. Study: VKGL Data-share Consensus. Not counted in ClinVar's aggregate classification.

Joint Genome Diagnostic Labs from Nijmegen and Maastricht, Radboudumc and MUMC+
Classification: Benign. Review status: no assertion criteria provided. Collection method: clinical testing. Allele origin: germline. Affected: yes. Study: VKGL Data-share Consensus. Not counted in ClinVar's aggregate classification.

Laboratory of Diagnostic Genome Analysis, Leiden University Medical Center (LUMC)
Classification: Likely benign. Review status: no assertion criteria provided. Collection method: clinical testing. Allele origin: germline. Affected: yes. Study: VKGL Data-share Consensus. Not counted in ClinVar's aggregate classification.

NM_001267550.2(TTN):c.100096G>A (p.Val33366Ile)

Genes: TTN (titin; minus strand), TTN-AS1 (TTN antisense RNA 1; plus strand), LOC126806420 (BRD4-independent group 4 enhancer GRCh37_chr2:179401104-179402303; plus strand). Cytogenetic location: 2q31.2.
Variant type: single nucleotide variant.
Coding change: c.100096G>A on transcript NM_001267550.2 (MANE Select); coding-DNA position 100096, G replaced by A.
Protein change: p.Val33366Ile; replaces valine 33366 with isoleucine.
Molecular consequence: missense variant.
Genome position (GRCh38, 1-based): chr2:178,537,013, C>T on the plus strand (G>A on the coding strand, the complement: TTN is on the minus strand). VCF-style: chr2-178537013-C-T. GRCh37 (hg19) VCF-style: chr2-179401740-C-T.
Other names: p.V30798I:GTT>ATT; c.73276G>A, p.Val24426Ile (NM_133432.3); c.73477G>A, p.Val24493Ile (NM_133437.4); c.95173G>A, p.Val31725Ile (NM_001256850.1); c.72901G>A, p.Val24301Ile (NM_003319.4); c.92392G>A, p.Val30798Ile (NM_133378.4); short protein forms V33366I, V30798I, V31725I, V24301I, V24426I, V24493I.
Identifiers: ClinVar variation 47625 (VCV000047625.38), dbSNP rs55675869, ClinGen allele CA284216.